The following is an entry in ClinVar:

NM_025132.4(WDR19):c.2056C>G (p.Leu686Val)

Gene: WDR19 (WD repeat domain 19; plus strand). Cytogenetic location: 4p14.
Variant type: single nucleotide variant.
Coding change: c.2056C>G on transcript NM_025132.4 (MANE Select); coding-DNA position 2056, C replaced by G.
Protein change: p.Leu686Val; replaces leucine 686 with valine.
Molecular consequence: missense variant.
Genome position (GRCh38, 1-based): chr4:39,231,870, C>G. VCF-style: chr4-39231870-C-G. GRCh37 (hg19) VCF-style: chr4-39233490-C-G.
Other names: c.1576C>G, p.Leu526Val (NM_001317924.2); short protein forms L526V, L686V.
Identifiers: ClinVar variation 1716602 (VCV001716602.5), dbSNP rs1170912793, ClinGen allele CA356633804.
Genomic context (GRCh38, chr4:39,231,870, plus strand): 5'-TGGGAAATGTGCAGGATTCTGAATGATGAGGCTGCCTGGAATGAGTTGGCCAGAGCTTGT[C>G]TACATCACATGGAAGTGGAGTTTGCAATCCGTGTTTATCGGAGAATTGGAAATGTTGGCA-3'
Protein context (NP_079408.3, residues 676-696): AAWNELARAC[Leu686Val]HHMEVEFAIR

ClinVar aggregate classification (germline): Uncertain significance (1 of 4 stars; one submission).

Conditions:
Asphyxiating thoracic dystrophy 5 (SRTD5). Also called: SHORT-RIB THORACIC DYSPLASIA 5 WITH OR WITHOUT POLYDACTYLY; SHORT-RIB THORACIC DYSPLASIA 5 WITHOUT POLYDACTYLY. Identifiers: Orphanet 474, MedGen C3280598, MONDO:0013717, OMIM 614376.
Senior-Loken syndrome 8 (SLSN8). Identifiers: Orphanet 3156, MedGen C4225376, MONDO:0014579, OMIM 616307.

Submission:

Labcorp Genetics (formerly Invitae), Labcorp
Classification: Uncertain significance for Senior-Loken syndrome 8; Asphyxiating thoracic dystrophy 5. Last evaluated: 2022-08-17. Review status: criteria provided, single submitter. Criteria: Invitae Variant Classification Sherloc (09022015). Collection method: clinical testing. Allele origin: germline.
Comment: This variant is not present in population databases (gnomAD no frequency). This sequence change replaces leucine, which is neutral and non-polar, with valine, which is neutral and non-polar, at codon 686 of the WDR19 protein (p.Leu686Val). In summary, the available evidence is currently insufficient to determine the role of this variant in disease. Therefore, it has been classified as a Variant of Uncertain Significance. Algorithms developed to predict the effect of missense changes on protein structure and function (SIFT, PolyPhen-2, Align-GVGD) all suggest that this variant is likely to be tolerated. This variant has not been reported in the literature in individuals affected with WDR19-related conditions.